The following is an entry in ClinVar:

NM_032805.3(ZSCAN10):c.492G>A (p.Lys164=)

Gene: ZSCAN10 (zinc finger and SCAN domain containing 10; minus strand). Cytogenetic location: 16p13.3.
Variant type: single nucleotide variant.
Coding change: c.492G>A on transcript NM_032805.3 (MANE Select); coding-DNA position 492, G replaced by A.
Protein change: p.Lys164=; no amino-acid change (lysine 164 retained).
Molecular consequence: synonymous variant. On other transcripts: 5 prime UTR variant (1), intron variant (3).
Genome position (GRCh38, 1-based): chr16:3,092,221, C>T on the plus strand (G>A on the coding strand, the complement: ZSCAN10 is on the minus strand). VCF-style: chr16-3092221-C-T. GRCh37 (hg19) VCF-style: chr16-3142222-C-T.
Other names: c.-691G>A (NM_001282415.2); c.-518-393G>A (NM_001365273.1); c.119-393G>A (NM_001365272.1); c.253+321G>A (NM_001282416.2).
Identifiers: ClinVar variation 4681349 (VCV004681349.5).

ClinVar aggregate classification (germline): Likely benign (1 of 4 stars; one submission).

gnomAD v4.1: 151 of 1,612,656 alleles (0.0094%); highest among the groups gnomAD compares: Middle Eastern, 0.066%; no homozygotes.

Submission:

CeGaT Center for Human Genetics Tuebingen
Classification: Likely benign. Last evaluated: 2026-08-01. Review status: criteria provided, single submitter. Criteria: CeGaT Center For Human Genetics Tuebingen Variant Classification Criteria Version 2. Collection method: clinical testing. Allele origin: germline. Affected: yes. Observed: 3 variant alleles.
Comment: ZSCAN10: BP4, BP7